The following is an entry in ClinVar:

NM_005732.4(RAD50):c.3824A>G (p.Glu1275Gly)

Genes: RAD50 (RAD50 double strand break repair protein; plus strand), TH2LCRR (T helper type 2 locus control region associated RNA; minus strand). Cytogenetic location: 5q31.1.
Variant type: single nucleotide variant.
Coding change: c.3824A>G on transcript NM_005732.4 (MANE Select); coding-DNA position 3824, A replaced by G.
Protein change: p.Glu1275Gly; replaces glutamic acid 1275 with glycine.
Molecular consequence: missense variant. On other transcripts: non-coding transcript variant (1).
Genome position (GRCh38, 1-based): chr5:132,642,249, A>G. VCF-style: chr5-132642249-A-G. GRCh37 (hg19) VCF-style: chr5-131977941-A-G.
Other names: short protein forms E1275G.
Identifiers: ClinVar variation 142265 (VCV000142265.16), dbSNP rs372924978, ClinGen allele CA167915.
Genomic context (GRCh38, chr5:132,642,249, plus strand): 5'-GTCGCTCACAGCAGCGTAACTTCCAGCTTCTGGTAATCACTCATGATGAAGATTTTGTGG[A>G]GCTTTTAGGACGTTCTGAATATGTGGAGAAATTCTACAGGATTAAAAAGAACATCGATCA-3'
Protein context (NP_005723.2, residues 1265-1285): LVITHDEDFV[Glu1275Gly]LLGRSEYVEK

ClinVar aggregate classification (germline): Uncertain significance. Review status: criteria provided, multiple submitters, no conflicts (2 of 4 stars). 5 submissions from 5 submitters: Uncertain significance (5). Last evaluated 2025-08-11.

Conditions:
Hereditary cancer-predisposing syndrome. Also called: Neoplastic Syndromes, Hereditary; Tumor predisposition; Hereditary Cancer Syndrome; Hereditary neoplastic syndrome. Identifiers: Orphanet 140162, MedGen C0027672, MeSH D009386, MONDO:0015356.
Nijmegen breakage syndrome-like disorder (NBSLD). Also called: MICROCEPHALY AND SPONTANEOUS CHROMOSOME INSTABILITY WITHOUT IMMUNODEFICIENCY; NBS-LIKE DISORDER; RAD50 DEFICIENCY. Identifiers: Orphanet 240760, MedGen C2751318, MONDO:0013118, OMIM 613078.

Allele frequency attached by ClinVar (database versions not stated): gnomAD exomes below 0.00001 and 0.00004; gnomAD 0.00001; ExAC 0.00002; TOPMed 0.00003; ESP Exome Variant Server 0.00008.
gnomAD v4.1: 65 of 1,614,028 alleles (0.004%); highest among the groups gnomAD compares: Non-Finnish European, 0.0049%; no homozygotes.

Submissions (5):

Labcorp Genetics (formerly Invitae), Labcorp
Classification: Uncertain significance for Hereditary cancer-predisposing syndrome. Last evaluated: 2025-08-11. Review status: criteria provided, single submitter. Criteria: Invitae Variant Classification Sherloc (09022015). Collection method: clinical testing. Allele origin: germline.
Comment: This sequence change replaces glutamic acid, which is acidic and polar, with glycine, which is neutral and non-polar, at codon 1275 of the RAD50 protein (p.Glu1275Gly). This variant is present in population databases (rs372924978, gnomAD 0.002%). This missense change has been observed in individual(s) with breast cancer (PMID: 25503501). ClinVar contains an entry for this variant (Variation ID: 142265). Invitae Evidence Modeling of protein sequence and biophysical properties (such as structural, functional, and spatial information, amino acid conservation, physicochemical variation, residue mobility, and thermodynamic stability) indicates that this missense variant is expected to disrupt RAD50 protein function with a positive predictive value of 80%. In summary, the available evidence is currently insufficient to determine the role of this variant in disease. Therefore, it has been classified as a Variant of Uncertain Significance.

Ambry Genetics
Classification: Uncertain significance for Hereditary cancer-predisposing syndrome. Last evaluated: 2024-03-09. Review status: criteria provided, single submitter. Criteria: Ambry Variant Classification Scheme 2023. Collection method: clinical testing. Allele origin: germline.
Comment: The p.E1275G variant (also known as c.3824A>G), located in coding exon 25 of the RAD50 gene, results from an A to G substitution at nucleotide position 3824. The glutamic acid at codon 1275 is replaced by glycine, an amino acid with similar properties. This alteration was previously reported in at least one individual from a cohort of 278 BRCA1/2-negative individuals with early-onset breast cancer via multiplex panel testing of 22 cancer susceptibility genes (Maxwell KN et al. Genet Med, 2015 Aug;17:630-8). This amino acid position is highly conserved in available vertebrate species. In addition, this alteration is predicted to be deleterious by in silico analysis. Since supporting evidence is limited at this time, the clinical significance of this alteration remains unclear.

Fulgent Genetics
Classification: Uncertain significance for Nijmegen breakage syndrome-like disorder. Last evaluated: 2024-01-18. Review status: criteria provided, single submitter. Criteria: ACMG Guidelines, 2015. Collection method: clinical testing. Allele origin: germline.

Women's Health and Genetics/Laboratory Corporation of America, LabCorp
Classification: Uncertain significance. Last evaluated: 2023-11-07. Review status: criteria provided, single submitter. Criteria: LabCorp Variant Classification Summary - May 2015. Collection method: clinical testing. Allele origin: germline.
Comment: Variant summary: RAD50 c.3824A>G (p.Glu1275Gly) results in a non-conservative amino acid change in the encoded protein sequence. Three of five in-silico tools predict a damaging effect of the variant on protein function. The variant allele was found at a frequency of 4e-06 in 251310 control chromosomes. The available data on variant occurrences in the general population are insufficient to allow any conclusion about variant significance. c.3824A>G has been reported in the literature in at least one individual with early onset breast cancer, where it was described as a VUS (e.g. Maxwell_2015). This report does not provide unequivocal conclusions about association of the variant with Hereditary Breast And Ovarian Cancer Syndrome. To our knowledge, no experimental evidence demonstrating an impact on protein function has been reported. The following publication has been ascertained in the context of this evaluation (PMID: 25503501). Two submitters have cited clinical-significance assessments for this variant to ClinVar after 2014. All submitters classified the variant as uncertain significance. Based on the evidence outlined above, the variant was classified as uncertain significance.

Baylor Genetics
Classification: Uncertain significance for Nijmegen breakage syndrome-like disorder. Last evaluated: 2023-07-21. Review status: criteria provided, single submitter. Criteria: ACMG Guidelines, 2015. Collection method: clinical testing. Allele origin: unknown.

Literature cited by the submitters: PubMed 25503501 (cited by 3 submitters).